The following is an entry in ClinVar:

NM_004259.7(RECQL5):c.2936G>A (p.Ser979Asn)

Gene: RECQL5 (RecQ like helicase 5; minus strand). Cytogenetic location: 17q25.1.
Variant type: single nucleotide variant.
Coding change: c.2936G>A on transcript NM_004259.7 (MANE Select); coding-DNA position 2936, G replaced by A.
Protein change: p.Ser979Asn; replaces serine 979 with asparagine.
Molecular consequence: missense variant.
Genome position (GRCh38, 1-based): chr17:75,627,462, C>T on the plus strand (G>A on the coding strand, the complement: RECQL5 is on the minus strand). VCF-style: chr17-75627462-C-T. GRCh37 (hg19) VCF-style: chr17-73623542-C-T.
Other names: short protein forms S979N.
Identifiers: ClinVar variation 2344935 (VCV002344935.4), dbSNP rs201830334, ClinGen allele CA8766862.
Genomic context (GRCh38, chr17:75,627,462, plus strand): 5'-CCTGCCCAGCCAGCAGTTGGTCATCTCTGGGGGCCACACAGGCCATGCCAGTCAGCTTCG[C>T]TCTCGCACCGGGCCCGGCCATGGAAGAAGTGCCTGATGAGGTTCTGGGCCTCTTCTTTCA-3'
Protein context (NP_004250.4, residues 969-989): HFFHGRARCE[Ser979Asn]EADWHGLCGP

ClinVar aggregate classification (germline): Uncertain significance. Review status: criteria provided, single submitter (1 of 4 stars). 2 submissions from 2 submitters: Uncertain significance (1). 1 of the submissions does not count toward it. Last evaluated 2024-03-01.

Conditions:
RECQL5-related disorder. Also called: RECQL5-related condition.

Allele frequency attached by ClinVar (database versions not stated): gnomAD exomes 0.00014; 1000 Genomes Project 30x 0.00016; ExAC 0.00016; 1000 Genomes Project 0.00020; ESP Exome Variant Server 0.00024; gnomAD 0.00041; TOPMed 0.00054.
gnomAD v4.1: 274 of 1,613,758 alleles (0.017%); highest among the groups gnomAD compares: Middle Eastern, 0.21%; 1 homozygote.

Submissions (2):

Ambry Genetics
Classification: Uncertain significance. Last evaluated: 2024-03-01. Review status: criteria provided, single submitter. Criteria: Ambry Variant Classification Scheme 2023. Collection method: clinical testing. Allele origin: germline.

PreventionGenetics, part of Exact Sciences
Classification: Uncertain significance for RECQL5-related condition. Last evaluated: 2024-04-19. Review status: no assertion criteria provided. Collection method: clinical testing. Allele origin: germline. Not counted in ClinVar's aggregate classification.
Comment: The RECQL5 c.2936G>A variant is predicted to result in the amino acid substitution p.Ser979Asn. To our knowledge, this variant has not been reported in the literature. This variant is reported in 0.025% of alleles in individuals of European (Non-Finnish) descent in gnomAD. At this time, the clinical significance of this variant is uncertain due to the absence of conclusive functional and genetic evidence.